The following is an entry in ClinVar:

NM_001267550.2(TTN):c.101911A>C (p.Asn33971His)

Genes: TTN-AS1 (TTN antisense RNA 1; plus strand), TTN (titin; minus strand). Cytogenetic location: 2q31.2.
Variant type: single nucleotide variant.
Coding change: c.101911A>C on transcript NM_001267550.2 (MANE Select); coding-DNA position 101911, A replaced by C.
Protein change: p.Asn33971His; replaces asparagine 33971 with histidine.
Molecular consequence: missense variant.
Genome position (GRCh38, 1-based): chr2:178,534,704, T>G on the plus strand (A>C on the coding strand, the complement: TTN is on the minus strand). VCF-style: chr2-178534704-T-G. GRCh37 (hg19) VCF-style: chr2-179399431-T-G.
Other names: c.96988A>C, p.Asn32330His (NM_001256850.1); c.74716A>C, p.Asn24906His (NM_003319.4); c.94207A>C, p.Asn31403His (NM_133378.4); c.75091A>C, p.Asn25031His (NM_133432.3); c.75292A>C, p.Asn25098His (NM_133437.4); short protein forms N24906H, N25098H, N25031H, N31403H, N32330H, N33971H.
Identifiers: ClinVar variation 1352780 (VCV001352780.8), dbSNP rs2154136145, ClinGen allele CA349418984.

ClinVar aggregate classification (germline): Uncertain significance (1 of 4 stars; one submission).

Conditions:
Dilated cardiomyopathy 1G (CMD1G). Identifiers: Orphanet 154, MedGen C1858763, MONDO:0011400, OMIM 604145.
Autosomal recessive limb-girdle muscular dystrophy type 2J (LGMDR10). Also called: Limb-girdle muscular dystrophy, type 2J; MUSCULAR DYSTROPHY, LIMB-GIRDLE, AUTOSOMAL RECESSIVE 10. Identifiers: Orphanet 140922, MedGen C1837342, MONDO:0012127, OMIM 608807.

Submission:

Labcorp Genetics (formerly Invitae), Labcorp
Classification: Uncertain significance for Dilated cardiomyopathy 1G; Autosomal recessive limb-girdle muscular dystrophy type 2J. Last evaluated: 2021-07-13. Review status: criteria provided, single submitter. Criteria: Invitae Variant Classification Sherloc (09022015). Collection method: clinical testing. Allele origin: germline.
Comment: This variant is located in the M band of TTN (PMID: 25589632). Variants in this region may be relevant for neuromuscular disorders, but have not been definitively shown to cause cardiomyopathy (PMID: 23975875). This sequence change replaces asparagine with histidine at codon 33971 of the TTN protein (p.Asn33971His). There is a small physicochemical difference between asparagine and histidine. This variant is not present in population databases (ExAC no frequency). This variant has not been reported in the literature in individuals affected with TTN-related conditions. Experimental studies and prediction algorithms are not available or were not evaluated, and the functional significance of this variant is currently unknown. In summary, the available evidence is currently insufficient to determine the role of this variant in disease. Therefore, it has been classified as a Variant of Uncertain Significance.

Literature cited by the submitters: PubMed 25589632; PubMed 23975875.